The following is an entry in ClinVar:

NM_012463.4(ATP6V0A2):c.840C>A (p.Thr280=)

Gene: ATP6V0A2 (ATPase H+ transporting V0 subunit a2; plus strand). Cytogenetic location: 12q24.31.
Variant type: single nucleotide variant.
Coding change: c.840C>A on transcript NM_012463.4 (MANE Select); coding-DNA position 840, C replaced by A.
Protein change: p.Thr280=; no amino-acid change (threonine 280 retained).
Molecular consequence: synonymous variant.
Genome position (GRCh38, 1-based): chr12:123,737,073, C>A. VCF-style: chr12-123737073-C-A. GRCh37 (hg19) VCF-style: chr12-124221620-C-A.
Identifiers: ClinVar variation 514820 (VCV000514820.1), dbSNP rs139680786, ClinGen allele CA6861756.

ClinVar aggregate classification (germline): Likely benign (1 of 4 stars; one submission).

Allele frequency attached by ClinVar (database versions not stated): TOPMed 0.00001; gnomAD 0.00010.
gnomAD v4.1: 6 of 1,614,048 alleles (0.00037%); highest among the groups gnomAD compares: African/African-American, 0.0067%; no homozygotes.

Submission:

GeneDx
Classification: Likely benign. Last evaluated: 2018-01-17. Review status: criteria provided, single submitter. Criteria: GeneDx Variant Classification (06012015). Collection method: clinical testing. Allele origin: germline. Affected: yes.
Comment: This variant is considered likely benign or benign based on one or more of the following criteria: it is a conservative change, it occurs at a poorly conserved position in the protein, it is predicted to be benign by multiple in silico algorithms, and/or has population frequency not consistent with disease.